The following is an entry in ClinVar:

NM_000214.3(JAG1):c.270dup (p.Pro91fs)

Gene: JAG1 (jagged canonical Notch ligand 1; minus strand). Cytogenetic location: 20p12.2.
Variant type: Duplication.
Coding change: c.270dup on transcript NM_000214.3 (MANE Select); coding-DNA position 270, one base duplicated (G; older notation c.270dupG).
Protein change: p.Pro91fs; shifts the reading frame from proline 91.
Molecular consequence: frameshift variant.
Genome position (GRCh38, 1-based): chr20:10,672,818, C duplicated on the plus strand (G on the coding strand, the reverse complement: JAG1 is on the minus strand); the first of 6 consecutive C bases (chr20:10,672,818-10,672,823); duplicating any one gives the same sequence. VCF-style (leftmost placement, unchanged base first): chr20-10672817-G-GC. GRCh37 (hg19) VCF-style: chr20-10653465-G-GC.
Other names: c.270dup, p.Pro91fs (LRG_1191t1); c.270dupG (NM_000214.2); c.270dup (NM_000214.2); short protein forms P91fs.
Identifiers: ClinVar variation 213553 (VCV000213553.7), dbSNP rs863223667, ClinGen allele CA322820.

ClinVar aggregate classification (germline): Pathogenic. Review status: criteria provided, multiple submitters, no conflicts (2 of 4 stars). 3 submissions from 3 submitters: Pathogenic (2). 1 of the submissions does not count toward it. Last evaluated 2024-01-26.

Conditions:
Alagille syndrome due to a JAG1 point mutation. Also called: HEPATIC DUCTULAR HYPOPLASIA, SYNDROMATIC; Alagille Syndrome 1; JAG1-Related Alagille Syndrome. Identifiers: Orphanet 261619, Orphanet 52, MedGen C1956125, MONDO:0016862, OMIM 118450.

Submissions (3):

GeneDx
Classification: Pathogenic. Last evaluated: 2024-01-26. Review status: criteria provided, single submitter. Criteria: GeneDx Variant Classification Process June 2021. Collection method: clinical testing. Allele origin: germline. Affected: yes.
Comment: Reported using alternate nomenclature as 684insG in a child with peripheral pulmonic stenosis, dysmorphic features, and elevated liver enzymes (PMID: 10213047); Frameshift variant predicted to result in protein truncation or nonsense mediated decay in a gene for which loss of function is a known mechanism of disease; Not observed at significant frequency in large population cohorts (gnomAD); This variant is associated with the following publications: (PMID: 9585603, 10213047)

Eurofins Ntd Llc (ga)
Classification: Pathogenic. Last evaluated: 2017-06-12. Review status: criteria provided, single submitter. Criteria: EGL Classification Definitions 2015. Collection method: clinical testing. Allele origin: germline. Observed: 1 variant allele, 1 heterozygote.

OMIM
Classification: Pathogenic for ALAGILLE SYNDROME 1. Last evaluated: 1999-05-07. Review status: no assertion criteria provided. Collection method: literature only. Allele origin: germline. Not counted in ClinVar's aggregate classification.

Literature cited by the submitters: PubMed 10213047 (cited by OMIM).